The following is an entry in ClinVar:

NM_002772.3(TMPRSS15):c.2959G>A (p.Gly987Ser)

Gene: TMPRSS15 (transmembrane serine protease 15; minus strand). Cytogenetic location: 21q21.1.
Variant type: single nucleotide variant.
Coding change: c.2959G>A on transcript NM_002772.3 (MANE Select); coding-DNA position 2959, G replaced by A.
Protein change: p.Gly987Ser; replaces glycine 987 with serine.
Molecular consequence: missense variant.
Genome position (GRCh38, 1-based): chr21:18,270,070, C>T on the plus strand (G>A on the coding strand, the complement: TMPRSS15 is on the minus strand). VCF-style: chr21-18270070-C-T. GRCh37 (hg19) VCF-style: chr21-19642387-C-T.
Other names: short protein forms G987S.
Identifiers: ClinVar variation 2005688 (VCV002005688.2), dbSNP rs2516472521, ClinGen allele CA409847138.

ClinVar aggregate classification (germline): Uncertain significance (1 of 4 stars; one submission).

Allele frequency attached by ClinVar (database versions not stated): gnomAD exomes below 0.00001.
gnomAD v4.1: 1 of 1,613,950 alleles (0.000062%); highest among the groups gnomAD compares: Non-Finnish European, 0.000085%; no homozygotes.

Submission:

Labcorp Genetics (formerly Invitae), Labcorp
Classification: Uncertain significance. Last evaluated: 2022-06-13. Review status: criteria provided, single submitter. Criteria: Invitae Variant Classification Sherloc (09022015). Collection method: clinical testing. Allele origin: germline.
Comment: In summary, the available evidence is currently insufficient to determine the role of this variant in disease. Therefore, it has been classified as a Variant of Uncertain Significance. Algorithms developed to predict the effect of missense changes on protein structure and function are either unavailable or do not agree on the potential impact of this missense change (SIFT: "Not Available"; PolyPhen-2: "Probably Damaging"; Align-GVGD: "Not Available"). This variant has not been reported in the literature in individuals affected with TMPRSS15-related conditions. This variant is not present in population databases (gnomAD no frequency). This sequence change replaces glycine, which is neutral and non-polar, with serine, which is neutral and polar, at codon 987 of the TMPRSS15 protein (p.Gly987Ser).